The following is an entry in ClinVar:

ClinVar aggregate classification (germline): Conflicting classifications of pathogenicity. Review status: criteria provided, conflicting classifications (1 of 4 stars). 5 submissions from 5 submitters: Uncertain significance (3); Likely benign (2). Last evaluated 2026-04-09.

Conditions:
Hereditary cancer-predisposing syndrome. Also called: Tumor predisposition; Hereditary neoplastic syndrome; Neoplastic Syndromes, Hereditary; Hereditary Cancer Syndrome. Identifiers: Orphanet 140162, MedGen C0027672, MeSH D009386, MONDO:0015356.
Familial cancer of breast. Also called: BREAST CANCER, FAMILIAL; hereditary breast carcinoma; Hereditary breast cancer. Identifiers: Orphanet 227535, MedGen C0346153, MONDO:0016419, OMIM 114480. Disease mechanism: loss of function.

Submissions (5):

Women's Health and Genetics/Laboratory Corporation of America, LabCorp
Classification: Likely benign. Last evaluated: 2026-04-09. Review status: criteria provided, single submitter. Criteria: LabCorp Variant Classification Summary - May 2015. Collection method: clinical testing. Allele origin: germline.
Comment: Variant summary: BARD1 c.1518_1519delinsCT (p.Val507Leu) results in a conservative amino acid change in the encoded protein sequence. Algorithms developed to predict the effect of missense changes on protein structure and function all suggest that this variant is likely to be tolerated. The variant allele was found at a frequency of 0.00016 in 282688 control chromosomes (gnomAD and Nunziato_2023). This frequency is not significantly higher than estimated for disease-causing variants in BARD1, allowing no conclusion about variant significance. However a total of 21 heterozygotes and 9 homozygotes were reported during validation of a multi-gene panel (Nunziato_2023). To our knowledge, no occurrence of c.1518_1519delinsCT in individuals affected with BARD1-related conditions and no experimental evidence demonstrating its impact on protein function have been reported. The following publication has been ascertained in the context of this evaluation (PMID: 36521553). ClinVar contains an entry for this variant (Variation ID: 419324). Based on the evidence outlined above, the variant was classified as likely benign.

Labcorp Genetics (formerly Invitae), Labcorp
Classification: Uncertain significance for Familial cancer of breast. Last evaluated: 2026-01-26. Review status: criteria provided, single submitter. Criteria: Invitae Variant Classification Sherloc (09022015). Collection method: clinical testing. Allele origin: germline.
Comment: This sequence change replaces valine, which is neutral and non-polar, with leucine, which is neutral and non-polar, at codon 507 of the BARD1 protein (p.Val507Leu). Information on the frequency of this variant in the gnomAD database is not available, as this variant may be reported differently in the database. This variant has not been reported in the literature in individuals affected with BARD1-related conditions. ClinVar contains an entry for this variant (Variation ID: 419324). An algorithm developed to predict the effect of missense changes on protein structure and function outputs the following: PolyPhen-2: "Not Available". The leucine amino acid residue is found in multiple mammalian species, which suggests that this missense change does not adversely affect protein function. In summary, the available evidence is currently insufficient to determine the role of this variant in disease. Therefore, it has been classified as a Variant of Uncertain Significance.

Ambry Genetics
Classification: Likely benign for Hereditary cancer-predisposing syndrome. Last evaluated: 2025-07-17. Review status: criteria provided, single submitter. Criteria: Ambry Variant Classification Scheme 2023. Collection method: clinical testing. Allele origin: germline.

Color Diagnostics, LLC DBA Color Health
Classification: Uncertain significance for Hereditary cancer-predisposing syndrome. Last evaluated: 2025-02-25. Review status: criteria provided, single submitter. Criteria: ACMG Guidelines, 2015. Collection method: clinical testing. Allele origin: germline.
Comment: This missense variant replaces valine with leucine at codon 507 of the BARD1 protein. To our knowledge, functional studies have not been reported for this variant. This variant has not been reported in individuals affected with hereditary cancer in the literature. This variant has not been identified in the general population by the Genome Aggregation Database (gnomAD). The available evidence is insufficient to determine the role of this variant in disease conclusively. Therefore, this variant is classified as a Variant of Uncertain Significance.

GeneDx
Classification: Uncertain significance. Last evaluated: 2015-06-22. Review status: criteria provided, single submitter. Criteria: GeneDx Variant Classification (06012015). Collection method: clinical testing. Allele origin: germline. Affected: yes.
Comment: This variant is denoted BARD1 c.1518_1519delTGinsCT at the cDNA level. The normal sequence, with the bases that are deleted in braces and inserted in brackets, is GGCA[TG][CT]TGGA. This in frame deletion and insertion occurs on the same allele (in cis) and results in a synonymous change at codon 506 and the amino acid substitution of p.Val507Leu (V507L). Neither BARD1 c.1518_1519delTGinsCT nor BARD1 Val507Leu (by this or an alternate nucleotide change) have been published in the literature as pathogenic or benign, nor were they observed in approximately 6,500 individuals of European and African American ancestry in the NHLBI Exome Sequencing Project, indicating they are not common benign variants in these populations. Regarding BARD1 Val507Leu, since Valine and Leucine share similar properties, this is considered a conservative amino acid substitution. It occurs at a position that is not conserved, with Leucine being the naturally occurring amino acid at this position in several mammals. In silico analyses predict that BARD1 Val507Leu is unlikely to alter protein structure or function. BARD1 c.1518_1519delTGinsCT is located within the ANK3 repeat (UniProt) and based on currently available information, we consider it to be a variant of uncertain significance.

Literature cited by the submitters: PubMed 36521553 (cited by Women's Health and Genetics/Laboratory Corporation of America, LabCorp); PubMed 34967580 (cited by Ambry Genetics).

NM_000465.4(BARD1):c.1518_1519delinsCT (p.Val507Leu)

Gene: BARD1 (BRCA1 associated RING domain 1; minus strand). Cytogenetic location: 2q35.
Variant type: Indel.
Coding change: c.1518_1519delinsCT on transcript NM_000465.4 (MANE Select); coding-DNA positions 1518 to 1519, TG replaced by CT.
Protein change: p.Val507Leu; replaces valine 507 with leucine.
Molecular consequence: missense variant. On other transcripts: non-coding transcript variant (3), intron variant (3).
Genome position (GRCh38, 1-based): chr2:214,767,531-214,767,532, CA replaced by AG on the plus strand (TG replaced by CT on the coding strand, the reverse complement: BARD1 is on the minus strand). VCF-style: chr2-214767531-CA-AG. GRCh37 (hg19) VCF-style: chr2-215632255-CA-AG.
Other names: c.1461_1462delinsCT, p.Val488Leu (NM_001282543.2); c.159-14977_159-14976delinsCT (NM_001282548.2); c.216-14977_216-14976delinsCT (NM_001282545.2); c.364+24765_364+24766delinsCT (NM_001282549.2); short protein forms V507L, V488L.
Identifiers: ClinVar variation 419324 (VCV000419324.16), dbSNP rs386654966, ClinGen allele CA16617435.